The following is an entry in ClinVar:

NM_000405.5(GM2A):c.207G>C (p.Met69Ile)

Gene: GM2A (ganglioside GM2 activator; plus strand). Cytogenetic location: 5q33.1.
Variant type: single nucleotide variant.
Coding change: c.207G>C on transcript NM_000405.5 (MANE Select); coding-DNA position 207, G replaced by C.
Protein change: p.Met69Ile; replaces methionine 69 with isoleucine.
Molecular consequence: missense variant.
Genome position (GRCh38, 1-based): chr5:151,259,880, G>C. VCF-style: chr5-151259880-G-C. GRCh37 (hg19) VCF-style: chr5-150639441-G-C.
Other names: c.207G>C, p.Met69Ile (NM_001167607.3); short protein forms M69I.
Identifiers: ClinVar variation 2751731 (VCV002751731.3), dbSNP rs2114032524, ClinGen allele CA361805985.

ClinVar aggregate classification (germline): Uncertain significance (1 of 4 stars; one submission).

Conditions:
Tay-Sachs disease, variant AB. Also called: Gm2-gangliosidosis, ab variant; GM2 Activator Deficiency. Identifiers: Orphanet 309246, MedGen C0268275, MONDO:0010099, OMIM 272750.

Submission:

Labcorp Genetics (formerly Invitae), Labcorp
Classification: Uncertain significance for Tay-Sachs disease, variant AB. Last evaluated: 2023-08-16. Review status: criteria provided, single submitter. Criteria: Invitae Variant Classification Sherloc (09022015). Collection method: clinical testing. Allele origin: germline.
Comment: In summary, the available evidence is currently insufficient to determine the role of this variant in disease. Therefore, it has been classified as a Variant of Uncertain Significance. An algorithm developed to predict the effect of missense changes on protein structure and function (PolyPhen-2) suggests that this variant is likely to be tolerated. This variant has not been reported in the literature in individuals affected with GM2A-related conditions. This variant is not present in population databases (gnomAD no frequency). This sequence change replaces methionine, which is neutral and non-polar, with isoleucine, which is neutral and non-polar, at codon 69 of the GM2A protein (p.Met69Ile).